The following is an entry in ClinVar:

ClinVar aggregate classification (germline): Likely benign. Review status: criteria provided, multiple submitters, no conflicts (2 of 4 stars). 5 submissions from 5 submitters: Likely benign (5). Last evaluated 2025-11-03.

Conditions:
Cardiomyopathy (CMYO). Also called: Cardiomyopathies. Identifiers: Orphanet 167848, MedGen C0878544, MONDO:0004994, HP:0001638. Inheritance: Various modes of inheritance.
Cardiovascular phenotype. Identifiers: MedGen CN230736.
Arrhythmogenic cardiomyopathy with wooly hair and keratoderma. Also called: PALMOPLANTAR KERATODERMA WITH LEFT VENTRICULAR CARDIOMYOPATHY AND WOOLLY HAIR; Carvajal syndrome; Dilated cardiomyopathy with woolly hair and keratoderma; Arrhythmogenic cardiomyopathy with woolly hair and keratoderma. Identifiers: Orphanet 65282, MedGen C1854063, MONDO:0011581, OMIM 605676.
Arrhythmogenic right ventricular dysplasia 8 (ARVD8). Also called: ARRHYTHMOGENIC RIGHT VENTRICULAR DYSPLASIA, FAMILIAL, 8; ARRHYTHMOGENIC RIGHT VENTRICULAR CARDIOMYOPATHY 8; Arrhythmogenic Right Ventricular Dysplasia/Cardiomyopathy 8. Identifiers: MedGen C1843896, MONDO:0011831, OMIM 607450.

Allele frequency attached by ClinVar (database versions not stated): gnomAD 0.00002 and 0.00004; TOPMed 0.00002; ExAC 0.00004; gnomAD exomes 0.00004 and 0.00006.
gnomAD v4.1: 65 of 1,613,978 alleles (0.004%); highest among the groups gnomAD compares: South Asian, 0.026%; no homozygotes.

Submissions (5):

Labcorp Genetics (formerly Invitae), Labcorp
Classification: Likely benign for Arrhythmogenic cardiomyopathy with wooly hair and keratoderma; Arrhythmogenic right ventricular dysplasia 8. Last evaluated: 2025-11-03. Review status: criteria provided, single submitter. Criteria: Invitae Variant Classification Sherloc (09022015). Collection method: clinical testing. Allele origin: germline.

Molecular Diagnostic Laboratory for Inherited Cardiovascular Disease, Montreal Heart Institute
Classification: Likely benign. Last evaluated: 2025-04-09. Review status: criteria provided, single submitter. Criteria: ACMG Guidelines, 2015. Collection method: clinical testing. Allele origin: germline. Affected: no.
Comment: BS1;BP7

Ambry Genetics
Classification: Likely benign for Cardiovascular phenotype. Last evaluated: 2022-03-04. Review status: criteria provided, single submitter. Criteria: Ambry Variant Classification Scheme 2023. Collection method: clinical testing. Allele origin: germline.

CHEO Genetics Diagnostic Laboratory, Children's Hospital of Eastern Ontario
Classification: Likely benign for Cardiomyopathy. Last evaluated: 2019-03-11. Review status: criteria provided, single submitter. Criteria: ACMG Guidelines, 2015. Collection method: clinical testing. Allele origin: germline.

Color Diagnostics, LLC DBA Color Health
Classification: Likely benign for Cardiomyopathy. Last evaluated: 2018-10-16. Review status: criteria provided, single submitter. Criteria: ACMG Guidelines, 2015. Collection method: clinical testing. Allele origin: germline.

NM_004415.4(DSP):c.2568C>T (p.Phe856=)

Gene: DSP (desmoplakin; plus strand). Cytogenetic location: 6p24.3.
Variant type: single nucleotide variant.
Coding change: c.2568C>T on transcript NM_004415.4 (MANE Select); coding-DNA position 2568, C replaced by T.
Protein change: p.Phe856=; no amino-acid change (phenylalanine 856 retained).
Molecular consequence: synonymous variant.
Genome position (GRCh38, 1-based): chr6:7,575,426, C>T. VCF-style: chr6-7575426-C-T. GRCh37 (hg19) VCF-style: chr6-7575659-C-T.
Other names: c.2568C>T (LRG_423t1, NM_004415.3); c.2568C>T, p.Phe856= (NM_001008844.3, NM_001319034.2).
Identifiers: ClinVar variation 629587 (VCV000629587.15), dbSNP rs746036365, ClinGen allele CA033946.